The following is an entry in ClinVar:

NM_003119.4(SPG7):c.694G>C (p.Glu232Gln)

Gene: SPG7 (SPG7 matrix AAA peptidase subunit, paraplegin; plus strand). Cytogenetic location: 16q24.3.
Variant type: single nucleotide variant.
Coding change: c.694G>C on transcript NM_003119.4 (MANE Select); coding-DNA position 694, G replaced by C.
Protein change: p.Glu232Gln; replaces glutamic acid 232 with glutamine.
Molecular consequence: missense variant.
Genome position (GRCh38, 1-based): chr16:89,526,404, G>C. VCF-style: chr16-89526404-G-C. GRCh37 (hg19) VCF-style: chr16-89592812-G-C.
Other names: c.694G>C, p.Glu232Gln (NM_001363850.1, NM_199367.3); short protein forms E232Q.
Identifiers: ClinVar variation 3713109 (VCV003713109.2).

ClinVar aggregate classification (germline): Uncertain significance (1 of 4 stars; one submission).

Conditions:
Hereditary spastic paraplegia 7 (SPG7). Also called: SPASTIC PARAPLEGIA 7, AUTOSOMAL RECESSIVE, WITH OR WITHOUT CEREBELLAR ATAXIA; SPG7-related neurologic disorder; Spastic paraplegia 7; Hereditary spastic paraplegia Paraplegin type; Autosomal recessive spastic paraplegia type 7. Identifiers: Orphanet 99013, MedGen C1846564, MONDO:0011803, OMIM 607259.

gnomAD v4.1: 4 of 1,614,048 alleles (0.00025%); highest among the groups gnomAD compares: African/African-American, 0.0013%; no homozygotes.

Submission:

Labcorp Genetics (formerly Invitae), Labcorp
Classification: Uncertain significance for Hereditary spastic paraplegia 7. Last evaluated: 2024-08-29. Review status: criteria provided, single submitter. Criteria: Invitae Variant Classification Sherloc (09022015). Collection method: clinical testing. Allele origin: germline.
Comment: This sequence change replaces glutamic acid, which is acidic and polar, with glutamine, which is neutral and polar, at codon 232 of the SPG7 protein (p.Glu232Gln). This variant is not present in population databases (gnomAD no frequency). This variant has not been reported in the literature in individuals affected with SPG7-related conditions. Invitae Evidence Modeling of protein sequence and biophysical properties (such as structural, functional, and spatial information, amino acid conservation, physicochemical variation, residue mobility, and thermodynamic stability) indicates that this missense variant is not expected to disrupt SPG7 protein function with a negative predictive value of 80%. In summary, the available evidence is currently insufficient to determine the role of this variant in disease. Therefore, it has been classified as a Variant of Uncertain Significance.